The following is an entry in ClinVar:

NM_000057.4(BLM):c.1032A>T (p.Lys344Asn)

Gene: BLM (BLM RecQ like helicase; plus strand). Cytogenetic location: 15q26.1.
Variant type: single nucleotide variant.
Coding change: c.1032A>T on transcript NM_000057.4 (MANE Select); coding-DNA position 1032, A replaced by T.
Protein change: p.Lys344Asn; replaces lysine 344 with asparagine.
Molecular consequence: missense variant. On other transcripts: 5 prime UTR variant (1).
Genome position (GRCh38, 1-based): chr15:90,754,883, A>T. VCF-style: chr15-90754883-A-T. GRCh37 (hg19) VCF-style: chr15-91298113-A-T.
Other names: c.1032A>T, p.Lys344Asn (NM_001287246.2, NM_001287247.2); c.-260A>T (NM_001287248.2); c.1032A>T (NM_000057.2); short protein forms K344N.
Identifiers: ClinVar variation 664386 (VCV000664386.12), dbSNP rs148701303, ClinGen allele CA7738413.

ClinVar aggregate classification (germline): Conflicting classifications of pathogenicity. Review status: criteria provided, conflicting classifications (1 of 4 stars). 4 submissions from 4 submitters: Uncertain significance (2); Likely benign (1). 1 of the submissions does not count toward it. Last evaluated 2024-07-21.

Conditions:
Hereditary cancer-predisposing syndrome. Also called: Tumor predisposition; Hereditary neoplastic syndrome; Neoplastic Syndromes, Hereditary; Hereditary Cancer Syndrome. Identifiers: Orphanet 140162, MedGen C0027672, MeSH D009386, MONDO:0015356.
Bloom syndrome (BLM). Also called: Bloom-Torre-Machacek syndrome. Identifiers: Orphanet 125, MedGen C0005859, MONDO:0008876, OMIM 210900.

Allele frequency attached by ClinVar (database versions not stated): TOPMed below 0.00001; gnomAD 0.00001; gnomAD exomes 0.00001 and 0.00002; ExAC 0.00002; ESP Exome Variant Server 0.00008.
gnomAD v4.1: 25 of 1,613,876 alleles (0.0015%); highest among the groups gnomAD compares: Non-Finnish European, 0.0021%; no homozygotes.

Submissions (4):

Ambry Genetics
Classification: Likely benign for Hereditary cancer-predisposing syndrome. Last evaluated: 2024-07-21. Review status: criteria provided, single submitter. Criteria: Ambry Variant Classification Scheme 2023. Collection method: clinical testing. Allele origin: germline.

Labcorp Genetics (formerly Invitae), Labcorp
Classification: Uncertain significance for Bloom syndrome. Last evaluated: 2023-12-27. Review status: criteria provided, single submitter. Criteria: Invitae Variant Classification Sherloc (09022015). Collection method: clinical testing. Allele origin: germline.
Comment: This sequence change replaces lysine, which is basic and polar, with asparagine, which is neutral and polar, at codon 344 of the BLM protein (p.Lys344Asn). This variant is present in population databases (rs148701303, gnomAD 0.002%). This variant has not been reported in the literature in individuals affected with BLM-related conditions. ClinVar contains an entry for this variant (Variation ID: 664386). Advanced modeling of protein sequence and biophysical properties (such as structural, functional, and spatial information, amino acid conservation, physicochemical variation, residue mobility, and thermodynamic stability) performed at Invitae indicates that this missense variant is not expected to disrupt BLM protein function with a negative predictive value of 80%. In summary, the available evidence is currently insufficient to determine the role of this variant in disease. Therefore, it has been classified as a Variant of Uncertain Significance.

GeneDx
Classification: Uncertain significance. Last evaluated: 2022-05-16. Review status: criteria provided, single submitter. Criteria: GeneDx Variant Classification Process June 2021. Collection method: clinical testing. Allele origin: germline. Affected: yes.
Comment: Not observed at significant frequency in large population cohorts (gnomAD); In silico analysis supports that this missense variant does not alter protein structure/function; Has not been previously published as pathogenic or benign to our knowledge; This variant is associated with the following publications: (PMID: 26154679)

Natera, Inc.
Classification: Uncertain significance for Bloom syndrome. Last evaluated: 2020-09-16. Review status: no assertion criteria provided. Collection method: clinical testing. Allele origin: germline. Not counted in ClinVar's aggregate classification.